The following is an entry in ClinVar:

ClinVar aggregate classification (germline): Uncertain significance. Review status: criteria provided, multiple submitters, no conflicts (2 of 4 stars). 2 submissions from 2 submitters: Uncertain significance (2). Last evaluated 2025-12-13.

Conditions:
FLT4-related disorder. Also called: FLT4-related condition.
Inborn genetic diseases. Identifiers: MedGen C0950123, MeSH D030342.

Submissions (2):

PreventionGenetics, part of Exact Sciences
Classification: Uncertain significance for FLT4-related condition. Last evaluated: 2025-12-13. Review status: criteria provided, single submitter. Criteria: ACMG Guidelines, 2015. Collection method: clinical testing. Allele origin: germline.
Comment: The FLT4 c.3824G>T variant is predicted to result in the amino acid substitution p.Ser1275Ile. This variant has been reported as a maternally-inherited finding in a fetus with skin edema, pleural effusion, ascites, and increased nuchal translucency (Liu et al. 2025. PubMed ID: 39392797). This variant has not been reported in a large population database (gnomAD), indicating this variant is rare. At this time, the clinical significance of this variant is uncertain due to the absence of conclusive functional and genetic evidence.

Ambry Genetics
Classification: Uncertain significance for Inborn genetic diseases. Last evaluated: 2025-08-15. Review status: criteria provided, single submitter. Criteria: Ambry Variant Classification Scheme 2023. Collection method: clinical testing. Allele origin: germline.
Comment: The c.3824G>T (p.S1275I) alteration is located in exon 29 (coding exon 29) of the FLT4 gene. This alteration results from a G to T substitution at nucleotide position 3824, causing the serine (S) at amino acid position 1275 to be replaced by an isoleucine (I). This variant was not reported in population-based cohorts in the Genome Aggregation Database (gnomAD). This variant was reported in individual(s) with features consistent with FLT4-related lymphatic malformation (Liu, 2025). Other variants at the same codon, c.3823A>G (p.S1275G) and c.3824G>C (p.S1275T), have been identified in individual(s) with features consistent with FLT4-related lymphatic malformation (Vora, 2020; Lajmi, 2023; external communication). This amino acid position is highly conserved in available vertebrate species. This alteration is predicted to be deleterious by in silico analysis. Based on insufficient or conflicting evidence, the clinical significance of this alteration remains unclear.

Literature cited by the submitters: PubMed 31974414 (cited by Ambry Genetics); PubMed 36538874 (cited by Ambry Genetics); PubMed 39392797 (cited by Ambry Genetics).

NM_182925.5(FLT4):c.3824G>T (p.Ser1275Ile)

Gene: FLT4 (fms related receptor tyrosine kinase 4; minus strand). Cytogenetic location: 5q35.3.
Variant type: single nucleotide variant.
Coding change: c.3824G>T on transcript NM_182925.5 (MANE Select); coding-DNA position 3824, G replaced by T.
Protein change: p.Ser1275Ile; replaces serine 1275 with isoleucine.
Molecular consequence: missense variant.
Genome position (GRCh38, 1-based): chr5:180,609,037, C>A on the plus strand (G>T on the coding strand, the complement: FLT4 is on the minus strand). VCF-style: chr5-180609037-C-A. GRCh37 (hg19) VCF-style: chr5-180036037-C-A.
Other names: c.3824G>T (NM_182925.4); c.3824G>T, p.Ser1275Ile (NM_001354989.2, NM_002020.5); short protein forms S1275I.
Identifiers: ClinVar variation 4258405 (VCV004258405.2).